The following is an entry in ClinVar:

ClinVar aggregate classification (germline): Uncertain significance. Review status: criteria provided, multiple submitters, no conflicts (2 of 4 stars). 2 submissions from 2 submitters: Uncertain significance (2). Last evaluated 2024-09-22.

Conditions:
Hereditary cancer-predisposing syndrome. Also called: Hereditary neoplastic syndrome; Tumor predisposition; Neoplastic Syndromes, Hereditary; Hereditary Cancer Syndrome. Identifiers: Orphanet 140162, MedGen C0027672, MeSH D009386, MONDO:0015356.
Tuberous sclerosis 2 (TSC2). Identifiers: Orphanet 805, MedGen C1860707, MONDO:0013199, OMIM 613254.

Submissions (2):

Labcorp Genetics (formerly Invitae), Labcorp
Classification: Uncertain significance for Tuberous sclerosis 2. Last evaluated: 2024-09-22. Review status: criteria provided, single submitter. Criteria: Invitae Variant Classification Sherloc (09022015). Collection method: clinical testing. Allele origin: germline.
Comment: This sequence change replaces alanine, which is neutral and non-polar, with threonine, which is neutral and polar, at codon 1053 of the TSC2 protein (p.Ala1053Thr). This variant is not present in population databases (gnomAD no frequency). This variant has not been reported in the literature in individuals affected with TSC2-related conditions. ClinVar contains an entry for this variant (Variation ID: 1480011). Invitae Evidence Modeling of protein sequence and biophysical properties (such as structural, functional, and spatial information, amino acid conservation, physicochemical variation, residue mobility, and thermodynamic stability) indicates that this missense variant is not expected to disrupt TSC2 protein function with a negative predictive value of 95%. In summary, the available evidence is currently insufficient to determine the role of this variant in disease. Therefore, it has been classified as a Variant of Uncertain Significance.

Ambry Genetics
Classification: Uncertain significance for Hereditary cancer-predisposing syndrome. Last evaluated: 2024-08-21. Review status: criteria provided, single submitter. Criteria: Ambry Variant Classification Scheme 2023. Collection method: clinical testing. Allele origin: germline.
Comment: The p.A1053T variant (also known as c.3157G>A), located in coding exon 27 of the TSC2 gene, results from a G to A substitution at nucleotide position 3157. The alanine at codon 1053 is replaced by threonine, an amino acid with similar properties. This amino acid position is well conserved in available vertebrate species. In addition, this alteration is predicted to be deleterious by in silico analysis. Based on the available evidence, the clinical significance of this variant remains unclear.

NM_000548.5(TSC2):c.3157G>A (p.Ala1053Thr)

Gene: TSC2 (TSC complex subunit 2; plus strand). Cytogenetic location: 16p13.3.
Variant type: single nucleotide variant.
Coding change: c.3157G>A on transcript NM_000548.5 (MANE Select); coding-DNA position 3157, G replaced by A.
Protein change: p.Ala1053Thr; replaces alanine 1053 with threonine.
Molecular consequence: missense variant.
Genome position (GRCh38, 1-based): chr16:2,079,301, G>A. VCF-style: chr16-2079301-G-A. GRCh37 (hg19) VCF-style: chr16-2129302-G-A.
Other names: c.3157G>A (NM_000548.3); c.3025G>A, p.Ala1009Thr (NM_001077183.3, NM_001370404.1); c.3157G>A, p.Ala1053Thr (NM_001114382.3); c.2917G>A, p.Ala973Thr (NM_001318827.2); c.2881G>A, p.Ala961Thr (NM_001318829.2); c.2425G>A, p.Ala809Thr (NM_001318831.2); c.3058G>A, p.Ala1020Thr (NM_001318832.2); c.3028G>A, p.Ala1010Thr (NM_001363528.2, NM_001370405.1, NM_021055.3); short protein forms A1020T, A973T, A1009T, A1010T, A961T, A1053T, A809T.
Identifiers: ClinVar variation 1480011 (VCV001480011.7), dbSNP rs2151437502, ClinGen allele CA394285323.